The following is an entry in ClinVar:

ClinVar aggregate classification (germline): Likely pathogenic (1 of 4 stars; one submission).

Conditions:
LAMA2-related muscular dystrophy (LAMA2-RD). Also called: Laminin alpha 2-related dystrophy. Identifiers: MedGen C5679788, MONDO:0100228.

Submission:

Myriad Genetics, Inc.
Classification: Likely pathogenic for LAMA2-related muscular dystrophy. Last evaluated: 2019-12-28. Review status: criteria provided, single submitter. Criteria: Myriad Autosomal Dominant, Autosomal Recessive and X-Linked Classification Criteria (2023). Collection method: clinical testing. Allele origin: unknown.
Comment: NM_000426.3(LAMA2):c.198C>A(Y66*) is expected to be pathogenic in the context of LAMA2-related muscular dystrophy. This variant is predicted to lead to an abnormal or absent protein product due to the creation of a premature termination codon in LAMA2, a gene where loss-of-function variants are known to be pathogenic. Please note: this variant was assessed in the context of healthy population screening.

NM_000426.4(LAMA2):c.198C>A (p.Tyr66Ter)

Gene: LAMA2 (laminin subunit alpha 2; plus strand). Cytogenetic location: 6q22.33.
Variant type: single nucleotide variant.
Coding change: c.198C>A on transcript NM_000426.4 (MANE Select); coding-DNA position 198, C replaced by A.
Protein change: p.Tyr66Ter; replaces tyrosine 66 with a stop codon.
Molecular consequence: nonsense.
Genome position (GRCh38, 1-based): chr6:129,050,003, C>A. VCF-style: chr6-129050003-C-A. GRCh37 (hg19) VCF-style: chr6-129371148-C-A.
Other names: c.198C>A, p.Tyr66Ter (NM_001079823.2); short protein forms Y66*.
Identifiers: ClinVar variation 983619 (VCV000983619.4), dbSNP rs1042843028, ClinGen allele CA147269459.
Genomic context (GRCh38, chr6:129,050,003, plus strand): 5'-TGCTTCTAATGCTCTTATCACGACCAATGCAACATGTGGAGAAAAAGGACCTGAAATGTA[C>A]TGCAAATTGGTAGAACATGTCCCTGGGCAGCCTGTGAGGAACCCGCAGTGTCGAATCTGC-3'